The following is an entry in ClinVar:

NM_005476.7(GNE):c.1412-4G>A

Gene: GNE (glucosamine (UDP-N-acetyl)-2-epimerase/N-acetylmannosamine kinase; minus strand). Cytogenetic location: 9p13.3.
Variant type: single nucleotide variant.
Coding change: c.1412-4G>A on transcript NM_005476.7 (MANE Select); 4 bases into the intron before coding-DNA position 1412, G replaced by A.
Molecular consequence: intron variant.
Genome position (GRCh38, 1-based): chr9:36,223,002, C>T on the plus strand (G>A on the coding strand, the complement: GNE is on the minus strand). VCF-style: chr9-36223002-C-T. GRCh37 (hg19) VCF-style: chr9-36222999-C-T.
Other names: c.1235-4G>A (NM_001190388.2, NM_001374798.1); c.1505-4G>A (NM_001128227.3); c.1082-4G>A (NM_001190384.3); c.1259-4G>A (NM_001374797.1); c.1411+371G>A (NM_001190383.3).
Identifiers: ClinVar variation 500345 (VCV000500345.24), dbSNP rs146067766, ClinGen allele CA5056484.

ClinVar aggregate classification (germline): Conflicting classifications of pathogenicity. Review status: criteria provided, conflicting classifications (1 of 4 stars). 8 submissions from 7 submitters: Uncertain significance (5); Benign (1); Likely benign (1). 1 of the submissions does not count toward it. Last evaluated 2026-02-01.

Conditions:
Sialuria. Also called: Sialic Acid Storage Disease; SIALURIA, FRENCH TYPE. Identifiers: Orphanet 3166, MedGen C0342853, MONDO:0010028, OMIM 269921.
GNE myopathy (NM). Also called: NONAKA DISTAL MYOPATHY; MYOPATHY, DISTAL, WITH OR WITHOUT RIMMED VACUOLES; INCLUSION BODY MYOPATHY, HEREDITARY, AUTOSOMAL RECESSIVE; INCLUSION BODY MYOPATHY 2, AUTOSOMAL RECESSIVE; IBM 2; Inclusion body myopathy autosomal recessive. Identifiers: Orphanet 602, MedGen C1853926, MONDO:0011603, OMIM 605820.

Allele frequency attached by ClinVar (database versions not stated): gnomAD 0.00009 and 0.00023; TOPMed 0.00013; gnomAD exomes 0.00014 and 0.00043; ExAC 0.00018; 1000 Genomes Project 30x 0.00078; 1000 Genomes Project 0.00100.
gnomAD v4.1: 653 of 1,611,726 alleles (0.041%); highest among the groups gnomAD compares: East Asian, 1.2%; 4 homozygotes.

Submissions (8):

Labcorp Genetics (formerly Invitae), Labcorp
Classification: Likely benign for Sialuria; GNE myopathy. Last evaluated: 2026-02-01. Review status: criteria provided, single submitter. Criteria: Invitae Variant Classification Sherloc (09022015). Collection method: clinical testing. Allele origin: germline.

Revvity Omics, Revvity
Classification: Uncertain significance. Last evaluated: 2025-05-19. Review status: criteria provided, single submitter. Criteria: ACMG Guidelines, 2015. Collection method: clinical testing. Allele origin: germline.

Women's Health and Genetics/Laboratory Corporation of America, LabCorp
Classification: Uncertain significance. Last evaluated: 2025-04-23. Review status: criteria provided, single submitter. Criteria: LabCorp Variant Classification Summary - May 2015. Collection method: clinical testing. Allele origin: germline.
Comment: Variant summary: GNE c.1505-4G>A alters a conserved nucleotide located at a position not widely known to affect splicing. Consensus agreement among computation tools predict no significant impact on normal splicing. However, these predictions have yet to be confirmed by functional studies. The variant allele was found at a frequency of 0.00014 in 251248 control chromosomes, predominantly at a frequency of 0.00071 within the East Asian subpopulation in the gnomAD database. This frequency is not significantly higher than estimated for a pathogenic variant in GNE causing Inclusion Body Myopathy 2 (0.00014 vs 0.0011), allowing no conclusion about variant significance. These data indicate that the variant may be associated with disease. To our knowledge, no experimental evidence demonstrating an impact on protein function has been reported. The following publications have been ascertained in the context of this evaluation (PMID: 24796702, 24027297, 27919547). ClinVar contains an entry for this variant (Variation ID: 500345). Based on the evidence outlined above, the variant was classified as uncertain significance.

GeneDx
Classification: Uncertain significance. Last evaluated: 2021-06-25. Review status: criteria provided, single submitter. Criteria: GeneDx Variant Classification Process June 2021. Collection method: clinical testing. Allele origin: germline. Affected: yes.
Comment: In-silico analysis, which includes splice predictors and evolutionary conservation, is inconclusive as to whether the variant alters gene splicing. In the absence of RNA/functional studies, the actual effect of this sequence change is unknown.; This variant is associated with the following publications: (PMID: 27535533, 27919547, 24027297)

Illumina Laboratory Services, Illumina
Classification: Uncertain significance for GNE myopathy. Last evaluated: 2017-06-21. Review status: criteria provided, single submitter. Criteria: ICSL Variant Classification Criteria 13 December 2019. Collection method: clinical testing. Allele origin: germline.
Comment: This variant was observed as part of a predisposition screen in an ostensibly healthy population. A literature search was performed for the gene, cDNA change, and amino acid change (where applicable). Publications were found based on this search. However, the evidence from the literature, in combination with allele frequency data from public databases where available, was not sufficient to rule this variant in or out of causing disease. Therefore, this variant is classified as a variant of unknown significance.

Illumina Laboratory Services, Illumina
Classification: Benign for Sialuria. Last evaluated: 2017-06-14. Review status: criteria provided, single submitter. Criteria: ICSL Variant Classification Criteria 13 December 2019. Collection method: clinical testing. Allele origin: germline.
Comment: This variant was observed as part of a predisposition screen in an ostensibly healthy population. A literature search was performed for the gene, cDNA change, and amino acid change (where applicable). No publications were found based on this search. Allele frequency data from public databases was too high to be consistent with this variant causing disease. Therefore, this variant is classified as benign.

Eurofins Ntd Llc (ga)
Classification: Uncertain significance. Last evaluated: 2017-03-23. Review status: criteria provided, single submitter. Criteria: EGL Classification Definitions 2015. Collection method: clinical testing. Allele origin: germline. Observed: 1 variant allele, 1 heterozygote.

Natera, Inc.
Classification: Uncertain significance for Nonaka myopathy. Last evaluated: 2020-02-11. Review status: no assertion criteria provided. Collection method: clinical testing. Allele origin: germline. Not counted in ClinVar's aggregate classification.

Literature cited by the submitters: PubMed 24796702 (cited by Women's Health and Genetics/Laboratory Corporation of America, LabCorp); PubMed 24027297 (cited by Women's Health and Genetics/Laboratory Corporation of America, LabCorp and Illumina Laboratory Services, Illumina); PubMed 27919547 (cited by Women's Health and Genetics/Laboratory Corporation of America, LabCorp and Illumina Laboratory Services, Illumina).